The following is an entry in ClinVar:

ClinVar aggregate classification (germline): Conflicting classifications of pathogenicity. Review status: criteria provided, conflicting classifications (1 of 4 stars). 6 submissions from 6 submitters: Uncertain significance (4); Likely benign (1). 1 of the submissions does not count toward it. Last evaluated 2025-10-06.

Conditions:
Hereditary cancer-predisposing syndrome. Also called: Tumor predisposition; Hereditary Cancer Syndrome; Hereditary neoplastic syndrome; Neoplastic Syndromes, Hereditary. Identifiers: Orphanet 140162, MedGen C0027672, MeSH D009386, MONDO:0015356.
Hereditary breast ovarian cancer syndrome. Also called: Breast and ovarian cancer; Hereditary breast and ovarian cancer syndrome; Hereditary breast and ovarian cancer; BRCA1- and BRCA2-Associated Hereditary Breast and Ovarian Cancer; Hereditary breast and ovarian cancer syndrome (HBOC); Hereditary breast and/or ovarian cancer syndrome. Identifiers: Orphanet 145, MedGen C0677776, MeSH D061325, MONDO:0003582. Disease mechanism: loss of function.
Breast-ovarian cancer, familial, susceptibility to, 2 (BROVCA2). Also called: BRCA2 Hereditary Breast and Ovarian Cancer. Identifiers: Orphanet 145, MedGen C2675520, MONDO:0012933, OMIM 612555. Disease mechanism: loss of function.

Allele frequency attached by ClinVar (database versions not stated): gnomAD exomes below 0.00001.
gnomAD v4.1: 3 of 1,613,674 alleles (0.00019%); highest among the groups gnomAD compares: Non-Finnish European, 0.00025%; no homozygotes.

Submissions (6):

Labcorp Genetics (formerly Invitae), Labcorp
Classification: Uncertain significance for Hereditary breast ovarian cancer syndrome. Last evaluated: 2025-10-06. Review status: criteria provided, single submitter. Criteria: Invitae Variant Classification Sherloc (09022015). Collection method: clinical testing. Allele origin: germline.
Comment: This sequence change replaces valine, which is neutral and non-polar, with alanine, which is neutral and non-polar, at codon 948 of the BRCA2 protein (p.Val948Ala). This variant is not present in population databases (gnomAD no frequency). This variant has not been reported in the literature in individuals affected with BRCA2-related conditions. ClinVar contains an entry for this variant (Variation ID: 182192). Invitae Evidence Modeling of protein sequence and biophysical properties (such as structural, functional, and spatial information, amino acid conservation, physicochemical variation, residue mobility, and thermodynamic stability) indicates that this missense variant is not expected to disrupt BRCA2 protein function with a negative predictive value of 95%. In summary, the available evidence is currently insufficient to determine the role of this variant in disease. Therefore, it has been classified as a Variant of Uncertain Significance.

Ambry Genetics
Classification: Uncertain significance for Hereditary cancer-predisposing syndrome. Last evaluated: 2024-03-18. Review status: criteria provided, single submitter. Criteria: Ambry Variant Classification Scheme 2023. Collection method: clinical testing. Allele origin: germline.
Comment: The p.V948A variant (also known as c.2843T>C), located in coding exon 10 of the BRCA2 gene, results from a T to C substitution at nucleotide position 2843. The valine at codon 948 is replaced by alanine, an amino acid with similar properties. This amino acid position is not well conserved in available vertebrate species. In addition, this alteration is predicted to be tolerated by in silico analysis. Since supporting evidence is limited at this time, the clinical significance of this alteration remains unclear.

University of Washington Department of Laboratory Medicine, University of Washington
Classification: Likely benign for Hereditary cancer-predisposing syndrome. Last evaluated: 2023-03-23. Review status: criteria provided, single submitter. Criteria: Dines et al. (Genet Med. 2020). Collection method: curation. Allele origin: germline.
Comment: Missense variant in a coldspot region where missense variants are very unlikely to be pathogenic (PMID:31911673).

BRCA2 exon 11 coldspot. Reclassification based on statistical prior probability.

Women's Health and Genetics/Laboratory Corporation of America, LabCorp
Classification: Uncertain significance. Last evaluated: 2019-12-30. Review status: criteria provided, single submitter. Criteria: LabCorp Variant Classification Summary - May 2015. Collection method: clinical testing. Allele origin: germline.
Comment: Variant summary: BRCA2 c.2843T>C (p.Val948Ala) results in a non-conservative amino acid change in the encoded protein sequence. Three of five in-silico tools predict a benign effect of the variant on protein function. The variant was absent in 250456 control chromosomes. The available data on variant occurrences in the general population are insufficient to allow any conclusion about variant significance. To our knowledge, no occurrence of c.2843T>C in individuals affected with Hereditary Breast and Ovarian Cancer and no experimental evidence demonstrating its impact on protein function have been reported. Three clinical diagnostic laboratories have submitted clinical-significance assessments for this variant to ClinVar after 2014 without evidence for independent evaluation. All laboratories classified the variant as uncertain significance. Based on the evidence outlined above, the variant was classified as uncertain significance.

Color Diagnostics, LLC DBA Color Health
Classification: Uncertain significance for Hereditary cancer-predisposing syndrome. Last evaluated: 2019-05-02. Review status: criteria provided, single submitter. Criteria: ACMG Guidelines, 2015. Collection method: clinical testing. Allele origin: germline.

Counsyl
Classification: Uncertain significance for Breast-ovarian cancer, familial, susceptibility to, 2. Last evaluated: 2017-07-18. Review status: no assertion criteria provided. Collection method: clinical testing. Allele origin: unknown. Not counted in ClinVar's aggregate classification.

NM_000059.4(BRCA2):c.2843T>C (p.Val948Ala)

Gene: BRCA2 (BRCA2 DNA repair associated; plus strand). Cytogenetic location: 13q13.1.
Variant type: single nucleotide variant.
Coding change: c.2843T>C on transcript NM_000059.4 (MANE Select); coding-DNA position 2843, T replaced by C.
Protein change: p.Val948Ala; replaces valine 948 with alanine.
Molecular consequence: missense variant.
Genome position (GRCh38, 1-based): chr13:32,337,198, T>C. VCF-style: chr13-32337198-T-C. GRCh37 (hg19) VCF-style: chr13-32911335-T-C.
Other names: short protein forms V948A.
Identifiers: ClinVar variation 182192 (VCV000182192.19), dbSNP rs730881517, ClinGen allele CA016605.